The following is an entry in ClinVar:

NM_024675.4(PALB2):c.2940C>T (p.Ser980=)

Gene: PALB2 (partner and localizer of BRCA2; minus strand). Cytogenetic location: 16p12.2.
Variant type: single nucleotide variant.
Coding change: c.2940C>T on transcript NM_024675.4 (MANE Select); coding-DNA position 2940, C replaced by T.
Protein change: p.Ser980=; no amino-acid change (serine 980 retained).
Molecular consequence: synonymous variant.
Genome position (GRCh38, 1-based): chr16:23,623,025, G>A on the plus strand (C>T on the coding strand, the complement: PALB2 is on the minus strand). VCF-style: chr16-23623025-G-A. GRCh37 (hg19) VCF-style: chr16-23634346-G-A.
Identifiers: ClinVar variation 415975 (VCV000415975.23), dbSNP rs766049739, ClinGen allele CA7963464.

ClinVar aggregate classification (germline): Conflicting classifications of pathogenicity. Review status: criteria provided, conflicting classifications (1 of 4 stars). 7 submissions from 7 submitters: Uncertain significance (1); Benign (1); Likely benign (5). Last evaluated 2025-12-22.

Conditions:
Hereditary cancer-predisposing syndrome. Also called: Tumor predisposition; Neoplastic Syndromes, Hereditary; Hereditary neoplastic syndrome; Hereditary Cancer Syndrome. Identifiers: Orphanet 140162, MedGen C0027672, MeSH D009386, MONDO:0015356.
Familial cancer of breast. Also called: Hereditary breast cancer; BREAST CANCER, FAMILIAL; hereditary breast carcinoma. Identifiers: Orphanet 227535, MedGen C0346153, MONDO:0016419, OMIM 114480. Disease mechanism: loss of function.
Breast-ovarian cancer, familial, susceptibility to, 5 (BROVCA5). Identifiers: MedGen C5830615, MONDO:0957530, OMIM 620442.

Allele frequency attached by ClinVar (database versions not stated): gnomAD exomes below 0.00001; ExAC 0.00001.
gnomAD v4.1: 2 of 1,614,112 alleles (0.00012%); highest among the groups gnomAD compares: East Asian, 0.0045%; no homozygotes.

Submissions (7):

Labcorp Genetics (formerly Invitae), Labcorp
Classification: Likely benign for Familial cancer of breast. Last evaluated: 2025-12-22. Review status: criteria provided, single submitter. Criteria: Invitae Variant Classification Sherloc (09022015). Collection method: clinical testing. Allele origin: germline.

Myriad Genetics, Inc.
Classification: Benign for Familial cancer of breast. Last evaluated: 2025-01-21. Review status: criteria provided, single submitter. Criteria: Myriad Autosomal Dominant, Autosomal Recessive and X-Linked Classification Criteria (2023). Collection method: clinical testing. Allele origin: unknown.
Comment: This variant is considered benign. This variant is a silent/synonymous amino acid change and it is not expected to impact splicing.

Quest Diagnostics Nichols Institute San Juan Capistrano
Classification: Uncertain significance. Last evaluated: 2024-03-21. Review status: criteria provided, single submitter. Criteria: Quest Diagnostics criteria. Collection method: clinical testing. Allele origin: unknown.
Comment: The PALB2 c.2940C>T (p.Ser980=) synonymous variant has not been reported in individuals with PALB2-related conditions in the published literature. The frequency of this variant in the general population, 0.000004 (1/251476 chromosomes (Genome Aggregation Database)), is uninformative in the assessment of its pathogenicity. Analysis of this variant using software algorithms for the prediction of the effect of nucleotide changes on splicing yielded predictions that this variant does not affect PALB2 mRNA splicing. Based on the available information, we are unable to determine the clinical significance of this variant.

Department of Pathology and Laboratory Medicine, Sinai Health System
Classification: Likely benign for Breast-ovarian cancer, familial, susceptibility to, 5. Last evaluated: 2021-09-20. Review status: criteria provided, single submitter. Criteria: ACMG Guidelines, 2015. Collection method: clinical testing. Allele origin: germline. Affected: yes.

GeneDx
Classification: Likely benign. Last evaluated: 2019-02-26. Review status: criteria provided, single submitter. Criteria: GeneDx Variant Classification Process June 2021. Collection method: clinical testing. Allele origin: germline. Affected: yes.

Ambry Genetics
Classification: Likely benign for Hereditary cancer-predisposing syndrome. Last evaluated: 2018-05-29. Review status: criteria provided, single submitter. Criteria: Ambry Variant Classification Scheme 2023. Collection method: clinical testing. Allele origin: germline.

Color Diagnostics, LLC DBA Color Health
Classification: Likely benign for Hereditary cancer-predisposing syndrome. Last evaluated: 2015-04-22. Review status: criteria provided, single submitter. Criteria: ACMG Guidelines, 2015. Collection method: clinical testing. Allele origin: germline.